The following is an entry in ClinVar:

ClinVar aggregate classification (germline): Uncertain significance (1 of 4 stars; one submission).

Submission:

GeneDx
Classification: Uncertain significance. Last evaluated: 2023-11-16. Review status: criteria provided, single submitter. Criteria: GeneDx Variant Classification Process June 2021. Collection method: clinical testing. Allele origin: germline. Affected: yes.
Comment: Not observed at significant frequency in large population cohorts (gnomAD); In silico analysis supports that this missense variant has a deleterious effect on protein structure/function; Has not been previously published as pathogenic or benign to our knowledge

NM_001007553.3(CSDE1):c.1531G>T (p.Gly511Cys)

Gene: CSDE1 (cold shock domain containing E1; minus strand). Cytogenetic location: 1p13.2.
Variant type: single nucleotide variant.
Coding change: c.1531G>T on transcript NM_001007553.3 (MANE Select); coding-DNA position 1531, G replaced by T.
Protein change: p.Gly511Cys; replaces glycine 511 with cysteine.
Molecular consequence: missense variant.
Genome position (GRCh38, 1-based): chr1:114,726,320, C>A on the plus strand (G>T on the coding strand, the complement: CSDE1 is on the minus strand). VCF-style: chr1-114726320-C-A. GRCh37 (hg19) VCF-style: chr1-115268941-C-A.
Other names: c.1576G>T, p.Gly526Cys (NM_001130523.3); c.1669G>T, p.Gly557Cys (NM_001242891.2); c.1531G>T, p.Gly511Cys (NM_001242892.2); c.1438G>T, p.Gly480Cys (NM_001242893.2, NM_007158.6); short protein forms G480C, G511C, G526C, G557C.
Identifiers: ClinVar variation 3364556 (VCV003364556.1).